The following is an entry in ClinVar:

NM_004006.3(DMD):c.5586+9G>A

Gene: DMD (dystrophin; minus strand). Cytogenetic location: Xp21.1.
Variant type: single nucleotide variant.
Coding change: c.5586+9G>A on transcript NM_004006.3 (MANE Select); 9 bases into the intron after coding-DNA position 5586, G replaced by A.
Molecular consequence: intron variant.
Genome position (GRCh38, 1-based): chrX:32,345,934, C>T on the plus strand (G>A on the coding strand, the complement: DMD is on the minus strand). VCF-style: chrX-32345934-C-T. GRCh37 (hg19) VCF-style: chrX-32364051-C-T.
Other names: c.5562+9G>A (NM_000109.4); c.1563+9G>A (NM_004011.4); c.1554+9G>A (NM_004012.4); c.5574+9G>A (NM_004009.3); c.5217+9G>A (NM_004010.3).
Identifiers: ClinVar variation 94674 (VCV000094674.36), dbSNP rs200025478, ClinGen allele CA222436.
Genomic context (GRCh38, chrX:32,345,934, plus strand): 5'-CATTATATTTTACCCTATATATTAAAAAAAAACCACAGGCAAGGTATATTATAATTTTAG[C>T]TCTAATACCTTGAGAGCATTATGTTTTGTCTGTAACAGCTGCTGTTTTATCTTTATTTCC-3'

ClinVar aggregate classification (germline): Conflicting classifications of pathogenicity. Review status: criteria provided, conflicting classifications (1 of 4 stars). 10 submissions from 10 submitters: Uncertain significance (1); Benign (3); Likely benign (4). 2 of the submissions do not count toward it. Last evaluated 2026-02-04.

Conditions:
Cardiomyopathy (CMYO). Also called: Cardiomyopathies. Identifiers: Orphanet 167848, MedGen C0878544, MONDO:0004994, HP:0001638. Inheritance: Various modes of inheritance.
Becker muscular dystrophy (BMD). Also called: MUSCULAR DYSTROPHY, PSEUDOHYPERTROPHIC PROGRESSIVE, BECKER TYPE; Becker Muscular Dystrophy (BMD). Identifiers: Orphanet 98895, MedGen C0917713, MONDO:0010311, OMIM 300376.
Duchenne muscular dystrophy (DMD). Also called: Duchenne Muscular Dystrophy (DMD); MUSCULAR DYSTROPHY, PSEUDOHYPERTROPHIC PROGRESSIVE, DUCHENNE TYPE. Identifiers: Orphanet 98896, MedGen C0013264, MONDO:0010679, OMIM 310200.
Dystrophin deficiency.
DMD-related disorder. Also called: DMD-related condition.
Dilated cardiomyopathy 3B (CMD3B). Also called: CMD3B: DMD-Related Dilated Cardiomyopathy; CARDIOMYOPATHY, DILATED, X-LINKED; DMD-Associated Dilated Cardiomyopathy. Identifiers: Orphanet 154, MedGen C3668940, MONDO:0010542, OMIM 302045.

Allele frequency attached by ClinVar (database versions not stated): TOPMed 0.00035; ExAC 0.00036; gnomAD 0.00044; ESP Exome Variant Server 0.00047.
gnomAD v4.1: 657 of 1,204,487 alleles (0.055%); highest among the groups gnomAD compares: Non-Finnish European, 0.068%; no homozygotes.

Submissions (10):

Labcorp Genetics (formerly Invitae), Labcorp
Classification: Likely benign for Duchenne muscular dystrophy. Last evaluated: 2026-02-04. Review status: criteria provided, single submitter. Criteria: Invitae Variant Classification Sherloc (09022015). Collection method: clinical testing. Allele origin: germline.

Women's Health and Genetics/Laboratory Corporation of America, LabCorp
Classification: Benign. Last evaluated: 2025-07-09. Review status: criteria provided, single submitter. Criteria: LabCorp Variant Classification Summary - May 2015. Collection method: clinical testing. Allele origin: germline.

ARUP Laboratories, Molecular Genetics and Genomics, ARUP Laboratories
Classification: Benign. Last evaluated: 2025-04-07. Review status: criteria provided, single submitter. Criteria: ARUP Molecular Germline Variant Investigation Process 2024. Collection method: clinical testing. Allele origin: germline.

Blueprint Genetics
Classification: Likely benign. Last evaluated: 2024-11-04. Review status: criteria provided, single submitter. Criteria: ACMG Guidelines, 2015. Collection method: clinical testing. Allele origin: germline.

Centre for Mendelian Genomics, University Medical Centre Ljubljana
Classification: Likely benign for Dilated cardiomyopathy 3B. Last evaluated: 2019-03-21. Review status: criteria provided, single submitter. Criteria: ACMG Guidelines, 2015. Collection method: clinical testing. Allele origin: unknown. Affected: yes.
Comment: This variant was classified as: Likely benign.

Illumina Laboratory Services, Illumina
Classification: Uncertain significance for Dilated cardiomyopathy 3B. Last evaluated: 2018-01-13. Review status: criteria provided, single submitter. Criteria: ICSL Variant Classification Criteria 13 December 2019. Collection method: clinical testing. Allele origin: germline.

GeneDx
Classification: Benign. Last evaluated: 2016-05-06. Review status: criteria provided, single submitter. Criteria: GeneDx Variant Classification (06012015). Collection method: clinical testing. Allele origin: germline. Affected: yes.
Comment: This variant is considered likely benign or benign based on one or more of the following criteria: it is a conservative change, it occurs at a poorly conserved position in the protein, it is predicted to be benign by multiple in silico algorithms, and/or has population frequency not consistent with disease.

Eurofins Ntd Llc (ga)
Classification: Likely benign. Last evaluated: 2016-01-06. Review status: criteria provided, single submitter. Criteria: EGL Classification Definitions 2015. Collection method: clinical testing. Allele origin: germline. Observed: 6 variant alleles, 3 heterozygotes, 2 hemizygotes.

PreventionGenetics, part of Exact Sciences
Classification: Likely benign for DMD-related condition. Last evaluated: 2023-02-15. Review status: no assertion criteria provided. Collection method: clinical testing. Allele origin: germline. Not counted in ClinVar's aggregate classification.
Comment: This variant is classified as likely benign based on ACMG/AMP sequence variant interpretation guidelines (Richards et al. 2015 PMID: 25741868, with internal and published modifications).

Natera, Inc.
Classification: Likely benign for Becker muscular dystrophy; Cardiomyopathy; Duchenne muscular dystrophy; Dystrophin deficiency. Last evaluated: 2019-06-21. Review status: no assertion criteria provided. Collection method: clinical testing. Allele origin: germline. Not counted in ClinVar's aggregate classification.